The following is an entry in ClinVar:

NM_198859.4(PRICKLE2):c.880G>A (p.Gly294Arg)

Gene: PRICKLE2 (prickle planar cell polarity protein 2; minus strand). Cytogenetic location: 3p14.1.
Variant type: single nucleotide variant.
Coding change: c.880G>A on transcript NM_198859.4 (MANE Select); coding-DNA position 880, G replaced by A.
Protein change: p.Gly294Arg; replaces glycine 294 with arginine.
Molecular consequence: missense variant.
Genome position (GRCh38, 1-based): chr3:64,147,610, C>T on the plus strand (G>A on the coding strand, the complement: PRICKLE2 is on the minus strand). VCF-style: chr3-64147610-C-T. GRCh37 (hg19) VCF-style: chr3-64133286-C-T.
Other names: c.880G>A, p.Gly294Arg (NM_001370528.1); short protein forms G294R.
Identifiers: ClinVar variation 595781 (VCV000595781.14), dbSNP rs765912174, ClinGen allele CA2479721.

ClinVar aggregate classification (germline): Uncertain significance. Review status: criteria provided, multiple submitters, no conflicts (2 of 4 stars). 3 submissions from 3 submitters: Uncertain significance (3). Last evaluated 2025-10-10.

Conditions:
Progressive myoclonic epilepsy type 5. Identifiers: Orphanet 402082, MedGen C5190799.

Allele frequency attached by ClinVar (database versions not stated): TOPMed 0.00002; gnomAD exomes 0.00004 and 0.00001; gnomAD 0.00001 and 0.00002; ExAC 0.00002.
gnomAD v4.1: 13 of 1,614,056 alleles (0.00081%); highest among the groups gnomAD compares: Admixed American, 0.018%; no homozygotes.

Submissions (3):

Labcorp Genetics (formerly Invitae), Labcorp
Classification: Uncertain significance for Progressive myoclonic epilepsy type 5. Last evaluated: 2025-10-10. Review status: criteria provided, single submitter. Criteria: Invitae Variant Classification Sherloc (09022015). Collection method: clinical testing. Allele origin: germline.
Comment: This sequence change replaces glycine, which is neutral and non-polar, with arginine, which is basic and polar, at codon 294 of the PRICKLE2 protein (p.Gly294Arg). This variant is present in population databases (rs765912174, gnomAD 0.03%). This variant has not been reported in the literature in individuals affected with PRICKLE2-related conditions. ClinVar contains an entry for this variant (Variation ID: 595781). Invitae Evidence Modeling of protein sequence and biophysical properties (such as structural, functional, and spatial information, amino acid conservation, physicochemical variation, residue mobility, and thermodynamic stability) indicates that this missense variant is expected to disrupt PRICKLE2 protein function with a positive predictive value of 80%. In summary, the available evidence is currently insufficient to determine the role of this variant in disease. Therefore, it has been classified as a Variant of Uncertain Significance.

ARUP Laboratories, Molecular Genetics and Genomics, ARUP Laboratories
Classification: Uncertain significance. Last evaluated: 2025-03-17. Review status: criteria provided, single submitter. Criteria: ARUP Molecular Germline Variant Investigation Process 2024. Collection method: clinical testing. Allele origin: germline.

Eurofins Ntd Llc (ga)
Classification: Uncertain significance. Last evaluated: 2018-01-25. Review status: criteria provided, single submitter. Criteria: EGL Classification Definitions 2015. Collection method: clinical testing. Allele origin: germline. Observed: 2 variant alleles, 2 heterozygotes.